The following is an entry in ClinVar:

NM_001458.5(FLNC):c.3951C>T (p.Thr1317=)

Gene: FLNC (filamin C; plus strand). Cytogenetic location: 7q32.1.
Variant type: single nucleotide variant.
Coding change: c.3951C>T on transcript NM_001458.5 (MANE Select); coding-DNA position 3951, C replaced by T.
Protein change: p.Thr1317=; no amino-acid change (threonine 1317 retained).
Molecular consequence: synonymous variant.
Genome position (GRCh38, 1-based): chr7:128,846,150, C>T. VCF-style: chr7-128846150-C-T. GRCh37 (hg19) VCF-style: chr7-128486204-C-T.
Other names: c.3951C>T, p.Thr1317= (NM_001127487.2).
Identifiers: ClinVar variation 386189 (VCV000386189.55), dbSNP rs765476086, ClinGen allele CA4475183.

ClinVar aggregate classification (germline): Likely benign. Review status: criteria provided, multiple submitters, no conflicts (2 of 4 stars). 5 submissions from 5 submitters: Likely benign (5). Last evaluated 2025-12-22.

Conditions:
Cardiovascular phenotype. Identifiers: MedGen CN230736.
Hypertrophic cardiomyopathy 26. Also called: Cardiomyopathy, familial hypertrophic, 26. Identifiers: Orphanet 75249, MedGen C4310749, MONDO:0014883, OMIM 617047.
Distal myopathy with posterior leg and anterior hand involvement. Also called: WILLIAMS DISTAL MYOPATHY. Identifiers: Orphanet 63273, MedGen C3279722, MONDO:0013550, OMIM 614065.
Myofibrillar myopathy 5. Also called: FILAMINOPATHY, AUTOSOMAL DOMINANT; Filaminopathy (type). Identifiers: Orphanet 171445, MedGen C1836050, MONDO:0012289, OMIM 609524.

Allele frequency attached by ClinVar (database versions not stated): gnomAD 0.00003; TOPMed 0.00003.
gnomAD v4.1: 97 of 1,613,532 alleles (0.006%); highest among the groups gnomAD compares: Middle Eastern, 0.016%; no homozygotes.

Submissions (5):

Labcorp Genetics (formerly Invitae), Labcorp
Classification: Likely benign for Distal myopathy with posterior leg and anterior hand involvement; Myofibrillar myopathy 5; Hypertrophic cardiomyopathy 26. Last evaluated: 2025-12-22. Review status: criteria provided, single submitter. Criteria: Invitae Variant Classification Sherloc (09022015). Collection method: clinical testing. Allele origin: germline.

Blueprint Genetics
Classification: Likely benign. Last evaluated: 2023-01-12. Review status: criteria provided, single submitter. Criteria: ACMG Guidelines, 2015. Collection method: clinical testing. Allele origin: germline.

CeGaT Center for Human Genetics Tuebingen
Classification: Likely benign. Last evaluated: 2022-03-01. Review status: criteria provided, single submitter. Criteria: CeGaT Center For Human Genetics Tuebingen Variant Classification Criteria Version 2. Collection method: clinical testing. Allele origin: germline. Affected: yes. Observed: 2 variant alleles.
Comment: FLNC: BP4, BP7

Ambry Genetics
Classification: Likely benign for Cardiovascular phenotype. Last evaluated: 2019-05-26. Review status: criteria provided, single submitter. Criteria: Ambry Variant Classification Scheme 2023. Collection method: clinical testing. Allele origin: germline.

GeneDx
Classification: Likely benign. Last evaluated: 2016-05-27. Review status: criteria provided, single submitter. Criteria: GeneDx Variant Classification (06012015). Collection method: clinical testing. Allele origin: germline. Affected: yes.
Comment: This variant is considered likely benign or benign based on one or more of the following criteria: it is a conservative change, it occurs at a poorly conserved position in the protein, it is predicted to be benign by multiple in silico algorithms, and/or has population frequency not consistent with disease.